The following is an entry in ClinVar:

NM_145038.5(DRC1):c.1599+1G>A

Gene: DRC1 (dynein regulatory complex subunit 1; plus strand). Cytogenetic location: 2p23.3.
Variant type: single nucleotide variant.
Coding change: c.1599+1G>A on transcript NM_145038.5 (MANE Select); the canonical splice donor site of the intron after coding-DNA position 1599, G replaced by A.
Molecular consequence: splice donor variant.
Genome position (GRCh38, 1-based): chr2:26,450,086, G>A. VCF-style: chr2-26450086-G-A. GRCh37 (hg19) VCF-style: chr2-26672954-G-A.
Other names: c.1599+1G>A (NM_145038.4).
Identifiers: ClinVar variation 525424 (VCV000525424.10), dbSNP rs146412095, ClinGen allele CA1562315.

ClinVar aggregate classification (germline): Conflicting classifications of pathogenicity. Review status: criteria provided, conflicting classifications (1 of 4 stars). 4 submissions from 4 submitters: Likely pathogenic (3); Uncertain significance (1). Last evaluated 2025-10-19.

Conditions:
Primary ciliary dyskinesia 21. Also called: CILIARY DYSKINESIA, PRIMARY, 21, WITHOUT SITUS INVERSUS. Identifiers: Orphanet 244, MedGen C3809087, MONDO:0014123, OMIM 615294.
Primary ciliary dyskinesia. Also called: Ciliary dyskinesia. Identifiers: Orphanet 244, MedGen C0008780, MONDO:0016575, HP:0012265.

Allele frequency attached by ClinVar (database versions not stated): gnomAD 0.00004; TOPMed 0.00005; ESP Exome Variant Server 0.00008; 1000 Genomes Project 0.00020; 1000 Genomes Project 30x 0.00031.
gnomAD v4.1: 104 of 1,612,062 alleles (0.0065%); highest among the groups gnomAD compares: Middle Eastern, 0.033%; no homozygotes.

Submissions (4):

Labcorp Genetics (formerly Invitae), Labcorp
Classification: Likely pathogenic for Primary ciliary dyskinesia. Last evaluated: 2025-10-19. Review status: criteria provided, single submitter. Criteria: Invitae Variant Classification Sherloc (09022015). Collection method: clinical testing. Allele origin: germline.
Comment: This sequence change affects a donor splice site in intron 12 of the DRC1 gene. It is expected to disrupt RNA splicing. Variants that disrupt the donor or acceptor splice site typically lead to a loss of protein function (PMID: 16199547), and loss-of-function variants in DRC1 are known to be pathogenic (PMID: 23354437, 31960620). This variant is present in population databases (rs146412095, gnomAD 0.01%). This variant has not been reported in the literature in individuals affected with DRC1-related conditions. ClinVar contains an entry for this variant (Variation ID: 525424). Algorithms developed to predict the effect of sequence changes on RNA splicing suggest that this variant may disrupt the consensus splice site. In summary, the currently available evidence indicates that the variant is pathogenic, but additional data are needed to prove that conclusively. Therefore, this variant has been classified as Likely Pathogenic.

Blueprint Genetics
Classification: Uncertain significance. Last evaluated: 2024-11-15. Review status: criteria provided, single submitter. Criteria: ACMG Guidelines, 2015. Collection method: clinical testing. Allele origin: germline.

Johns Hopkins Genomics, Johns Hopkins University
Classification: Likely pathogenic for Primary ciliary dyskinesia 21. Last evaluated: 2024-02-29. Review status: criteria provided, single submitter. Criteria: ACMG Guidelines, 2015. Collection method: clinical testing. Allele origin: germline.
Comment: This DRC1 variant (rs146412095) is rare (<0.1%) in a large population dataset (gnomAD v4.0.0: 104/1612062 total alleles; 0.006%; no homozygotes). It has been reported in ClinVar (Variation ID 525424), but has not been reported in the literature, to our knowledge. This variant destroys a canonical splice donor site, and is predicted to cause abnormal gene splicing. We consider c.1599+1G>A in DRC1 to be likely pathogenic.

Fulgent Genetics
Classification: Likely pathogenic for Primary ciliary dyskinesia 21. Last evaluated: 2022-02-28. Review status: criteria provided, single submitter. Criteria: ACMG Guidelines, 2015. Collection method: clinical testing. Allele origin: unknown.

Literature cited by the submitters: PubMed 16199547 (cited by Labcorp Genetics (formerly Invitae), Labcorp); PubMed 23354437 (cited by Labcorp Genetics (formerly Invitae), Labcorp); PubMed 31960620 (cited by Labcorp Genetics (formerly Invitae), Labcorp).